The following is an entry in ClinVar:

ClinVar aggregate classification (germline): Uncertain significance (1 of 4 stars; one submission).

Conditions:
PCNT-related disorder. Also called: PCNT-related condition.

Submission:

PreventionGenetics, part of Exact Sciences
Classification: Uncertain significance for PCNT-related condition. Last evaluated: 2025-12-02. Review status: criteria provided, single submitter. Criteria: ACMG Guidelines, 2015. Collection method: clinical testing. Allele origin: germline.
Comment: The PCNT c.7354G>C variant is predicted to result in the amino acid substitution p.Asp2452His. To our knowledge, this variant has not been reported in the literature. This variant is reported in 0.0062% of alleles in individuals of African descent in gnomAD. At this time, the clinical significance of this variant is uncertain due to the absence of conclusive functional and genetic evidence.

NM_006031.6(PCNT):c.7354G>C (p.Asp2452His)

Gene: PCNT (pericentrin; plus strand). Cytogenetic location: 21q22.3.
Variant type: single nucleotide variant.
Coding change: c.7354G>C on transcript NM_006031.6 (MANE Select); coding-DNA position 7354, G replaced by C.
Protein change: p.Asp2452His; replaces aspartic acid 2452 with histidine.
Molecular consequence: missense variant.
Genome position (GRCh38, 1-based): chr21:46,427,655, G>C. VCF-style: chr21-46427655-G-C. GRCh37 (hg19) VCF-style: chr21-47847569-G-C.
Other names: c.7000G>C, p.Asp2334His (NM_001315529.2); short protein forms D2452H, D2334H.
Identifiers: ClinVar variation 4979571 (VCV004979571.1).